The following is an entry in ClinVar:

ClinVar aggregate classification (germline): Conflicting classifications of pathogenicity. Review status: criteria provided, conflicting classifications (1 of 4 stars). 2 submissions from 2 submitters: Uncertain significance (1); Likely benign (1). Last evaluated 2023-03-23.

Conditions:
Hereditary cancer-predisposing syndrome. Also called: Tumor predisposition; Neoplastic Syndromes, Hereditary; Hereditary Cancer Syndrome; Hereditary neoplastic syndrome. Identifiers: Orphanet 140162, MedGen C0027672, MeSH D009386, MONDO:0015356.
Hereditary breast ovarian cancer syndrome. Also called: Hereditary breast and ovarian cancer syndrome (HBOC); Hereditary breast and ovarian cancer syndrome; Hereditary breast and ovarian cancer; Breast and ovarian cancer; BRCA1- and BRCA2-Associated Hereditary Breast and Ovarian Cancer; Hereditary breast and/or ovarian cancer syndrome. Identifiers: Orphanet 145, MedGen C0677776, MeSH D061325, MONDO:0003582. Disease mechanism: loss of function.

Submissions (2):

University of Washington Department of Laboratory Medicine, University of Washington
Classification: Likely benign for Hereditary cancer-predisposing syndrome. Last evaluated: 2023-03-23. Review status: criteria provided, single submitter. Criteria: Dines et al. (Genet Med. 2020). Collection method: curation. Allele origin: germline.
Comment: Missense variant in a coldspot region where missense variants are very unlikely to be pathogenic (PMID:31911673).

BRCA2 exon 11 coldspot. Reclassification based on statistical prior probability.

Labcorp Genetics (formerly Invitae), Labcorp
Classification: Uncertain significance for Hereditary breast ovarian cancer syndrome. Last evaluated: 2022-06-20. Review status: criteria provided, single submitter. Criteria: Invitae Variant Classification Sherloc (09022015). Collection method: clinical testing. Allele origin: germline.
Comment: This sequence change replaces lysine, which is basic and polar, with threonine, which is neutral and polar, at codon 2043 of the BRCA2 protein (p.Lys2043Thr). In summary, the available evidence is currently insufficient to determine the role of this variant in disease. Therefore, it has been classified as a Variant of Uncertain Significance. Advanced modeling of protein sequence and biophysical properties (such as structural, functional, and spatial information, amino acid conservation, physicochemical variation, residue mobility, and thermodynamic stability) performed at Invitae indicates that this missense variant is not expected to disrupt BRCA2 protein function. This variant has not been reported in the literature in individuals affected with BRCA2-related conditions. This variant is not present in population databases (gnomAD no frequency).

NM_000059.4(BRCA2):c.6128A>C (p.Lys2043Thr)

Gene: BRCA2 (BRCA2 DNA repair associated; plus strand). Cytogenetic location: 13q13.1.
Variant type: single nucleotide variant.
Coding change: c.6128A>C on transcript NM_000059.4 (MANE Select); coding-DNA position 6128, A replaced by C.
Protein change: p.Lys2043Thr; replaces lysine 2043 with threonine.
Molecular consequence: missense variant.
Genome position (GRCh38, 1-based): chr13:32,340,483, A>C. VCF-style: chr13-32340483-A-C. GRCh37 (hg19) VCF-style: chr13-32914620-A-C.
Other names: c.6128A>C, p.Lys2043Thr (NM_001406719.1, NM_001406720.1); short protein forms K2043T.
Identifiers: ClinVar variation 2008570 (VCV002008570.6), dbSNP rs2137524571, ClinGen allele CA387788193.
Genomic context (GRCh38, chr13:32,340,483, plus strand): 5'-ACCAGCTCACAAGAGAAGAAAATACTGCTATACGTACTCCAGAACATTTAATATCCCAAA[A>C]AGGCTTTTCATATAATGTGGTAAATTCATCTGCTTTCTCTGGATTTAGTACAGCAAGTGG-3'
Protein context (NP_000050.3, residues 2033-2053): IRTPEHLISQ[Lys2043Thr]GFSYNVVNSS